The following is an entry in ClinVar:

NM_015046.7(SETX):c.8022_8025del (p.Arg2674fs)

Gene: SETX (senataxin; minus strand). Cytogenetic location: 9q34.13.
Variant type: Microsatellite.
Coding change: c.8022_8025del on transcript NM_015046.7 (MANE Select); coding-DNA positions 8022 to 8025, 4 bases deleted (AAAG; older notation c.8022_8025delAAAG).
Protein change: p.Arg2674fs; shifts the reading frame from arginine 2674.
Molecular consequence: frameshift variant.
Genome position (GRCh38, 1-based): chr9:132,264,248-132,264,251, CTTT deleted on the plus strand (AAAG on the coding strand, the reverse complement: SETX is on the minus strand); deleting any 4 consecutive bases within chr9:132,264,248-132,264,255 gives the same sequence; the c. name uses the placement nearest the transcript's 3' end. VCF-style (leftmost placement, unchanged base first): chr9-132264247-GCTTT-G. GRCh37 (hg19) VCF-style: chr9-135139634-GCTTT-G.
Other names: c.8022_8025del, p.Arg2674fs (NM_001351527.2); c.8109_8112del, p.Arg2703fs (NM_001351528.2); short protein forms R2674fs, R2703fs.
Identifiers: ClinVar variation 2066901 (VCV002066901.4), dbSNP rs2538817760, ClinGen allele CA2580617115.

ClinVar aggregate classification (germline): Uncertain significance (1 of 4 stars; one submission).

Conditions:
Amyotrophic lateral sclerosis type 4 (ALS4). Also called: NEURONOPATHY, DISTAL HEREDITARY MOTOR, WITH PYRAMIDAL FEATURES; AMYOTROPHIC LATERAL SCLEROSIS 4, JUVENILE. Identifiers: Orphanet 357043, MedGen C1865409, MONDO:0011223, OMIM 602433.
Spinocerebellar ataxia, autosomal recessive, with axonal neuropathy 2 (SCAN2). Also called: ATAXIA-OCULOMOTOR APRAXIA 2; Ataxia-ocular apraxia-2; Ataxia with Oculomotor Apraxia; Ataxia with Oculomotor Apraxia Type 2. Identifiers: Orphanet 64753, MedGen C1853761, MONDO:0018996, OMIM 606002.

Submission:

Labcorp Genetics (formerly Invitae), Labcorp
Classification: Uncertain significance for Amyotrophic lateral sclerosis type 4; Spinocerebellar ataxia, autosomal recessive, with axonal neuropathy 2. Last evaluated: 2021-12-30. Review status: criteria provided, single submitter. Criteria: Invitae Variant Classification Sherloc (09022015). Collection method: clinical testing. Allele origin: germline.
Comment: In summary, the available evidence is currently insufficient to determine the role of this variant in disease. Therefore, it has been classified as a Variant of Uncertain Significance. Experimental studies and prediction algorithms are not available or were not evaluated, and the functional significance of this variant is currently unknown. This sequence change results in a frameshift in the SETX gene (p.Arg2674Serfs*8). While this is not anticipated to result in nonsense mediated decay, it is expected to disrupt the last 4 amino acid(s) of the SETX protein and extend the protein by 3 additional amino acid residues. This variant is not present in population databases (gnomAD no frequency). This variant has not been reported in the literature in individuals affected with SETX-related conditions.